The following is an entry in ClinVar:

ClinVar aggregate classification (germline): Uncertain significance (1 of 4 stars; one submission).

Conditions:
Long QT syndrome (LQTS). Identifiers: MedGen C0023976, MeSH D008133, MONDO:0002442. Disease mechanism: loss of function. Inheritance: Various modes of inheritance.

Allele frequency attached by ClinVar (database versions not stated): ExAC 0.00001; gnomAD 0.00001; gnomAD exomes 0.00001.
gnomAD v4.1: 5 of 1,613,794 alleles (0.00031%); highest among the groups gnomAD compares: Non-Finnish European, 0.00042%; no homozygotes.

Submission:

Labcorp Genetics (formerly Invitae), Labcorp
Classification: Uncertain significance for Long QT syndrome. Last evaluated: 2022-07-12. Review status: criteria provided, single submitter. Criteria: Invitae Variant Classification Sherloc (09022015). Collection method: clinical testing. Allele origin: germline.
Comment: In summary, the available evidence is currently insufficient to determine the role of this variant in disease. Therefore, it has been classified as a Variant of Uncertain Significance. Algorithms developed to predict the effect of missense changes on protein structure and function (SIFT, PolyPhen-2, Align-GVGD) all suggest that this variant is likely to be tolerated. ClinVar contains an entry for this variant (Variation ID: 1055932). This variant has not been reported in the literature in individuals affected with ANK2-related conditions. This variant is present in population databases (rs774190348, gnomAD 0.002%). This sequence change replaces serine, which is neutral and polar, with phenylalanine, which is neutral and non-polar, at codon 1583 of the ANK2 protein (p.Ser1583Phe).

NM_001148.6(ANK2):c.4748C>T (p.Ser1583Phe)

Gene: ANK2 (ankyrin 2; plus strand). Cytogenetic location: 4q26.
Variant type: single nucleotide variant.
Coding change: c.4748C>T on transcript NM_001148.6 (MANE Select); coding-DNA position 4748, C replaced by T.
Protein change: p.Ser1583Phe; replaces serine 1583 with phenylalanine.
Molecular consequence: missense variant. On other transcripts: intron variant (68).
Genome position (GRCh38, 1-based): chr4:113,353,366, C>T. VCF-style: chr4-113353366-C-T. GRCh37 (hg19) VCF-style: chr4-114274522-C-T.
Other names: c.4514C>T, p.Ser1505Phe (NM_001386142.1); c.1148C>T, p.Ser383Phe (NM_001386166.1); c.4889C>T, p.Ser1630Phe (NM_001386174.1); c.4865C>T, p.Ser1622Phe (NM_001386175.1); c.4411+3117C>T (NM_001386186.2, NM_001386148.2); c.4213+3117C>T (NM_001354269.3); c.4291+3117C>T (NM_001386187.2); c.4252+3117C>T (NM_001386147.1); and 35 more; short protein forms S1505F, S1583F, S1622F, S1630F, S383F.
Identifiers: ClinVar variation 1055932 (VCV001055932.5), dbSNP rs774190348, ClinGen allele CA3051138.